The following is an entry in ClinVar:

ClinVar aggregate classification (germline): Uncertain significance (1 of 4 stars; one submission).

Submission:

Labcorp Genetics (formerly Invitae), Labcorp
Classification: Uncertain significance. Last evaluated: 2025-06-12. Review status: criteria provided, single submitter. Criteria: Invitae Variant Classification Sherloc (09022015). Collection method: clinical testing. Allele origin: germline.
Comment: This sequence change replaces aspartic acid, which is acidic and polar, with asparagine, which is neutral and polar, at codon 360 of the CLUAP1 protein (p.Asp360Asn). This variant is present in population databases (rs182487158, gnomAD 0.03%). This variant has not been reported in the literature in individuals affected with CLUAP1-related conditions. Invitae Evidence Modeling of protein sequence and biophysical properties (such as structural, functional, and spatial information, amino acid conservation, physicochemical variation, residue mobility, and thermodynamic stability) indicates that this missense variant is not expected to disrupt CLUAP1 protein function with a negative predictive value of 80%. In summary, the available evidence is currently insufficient to determine the role of this variant in disease. Therefore, it has been classified as a Variant of Uncertain Significance.

NM_015041.3(CLUAP1):c.1078G>A (p.Asp360Asn)

Gene: CLUAP1 (clusterin associated protein 1; plus strand). Cytogenetic location: 16p13.3.
Variant type: single nucleotide variant.
Coding change: c.1078G>A on transcript NM_015041.3 (MANE Select); coding-DNA position 1078, G replaced by A.
Protein change: p.Asp360Asn; replaces aspartic acid 360 with asparagine.
Molecular consequence: missense variant.
Genome position (GRCh38, 1-based): chr16:3,532,827, G>A. VCF-style: chr16-3532827-G-A. GRCh37 (hg19) VCF-style: chr16-3582827-G-A.
Other names: c.1078G>A, p.Asp360Asn (NM_001330454.2); c.580G>A, p.Asp194Asn (NM_024793.3); short protein forms D360N, D194N.
Identifiers: ClinVar variation 4761273 (VCV004761273.1).